The following is an entry in ClinVar:

ClinVar aggregate classification (germline): Pathogenic (1 of 4 stars; one submission).

Conditions:
Joubert syndrome. Also called: CEREBELLOPARENCHYMAL DISORDER IV; JOUBERT-BOLTSHAUSER SYNDROME; Familial aplasia of the vermis. Identifiers: Orphanet 475, MedGen C5979921, MONDO:0018772.
Nephronophthisis. Also called: Juvenile Nephronophthisis. Identifiers: Orphanet 655, MedGen C0687120, MONDO:0019005, HP:0000090.
Meckel-Gruber syndrome. Also called: DYSENCEPHALIA SPLANCHNOCYSTICA; GRUBER SYNDROME; Dysencephalia splachnocystica. Identifiers: Orphanet 564, MedGen C0265215, MONDO:0018921.

Submission:

Labcorp Genetics (formerly Invitae), Labcorp
Classification: Pathogenic for Joubert syndrome; Meckel-Gruber syndrome; Nephronophthisis. Last evaluated: 2023-08-04. Review status: criteria provided, single submitter. Criteria: Invitae Variant Classification Sherloc (09022015). Collection method: clinical testing. Allele origin: germline.
Comment: This variant is a gross deletion of the genomic region encompassing exon(s) 42-43 of the CEP290 gene. This deletion is out-of-frame, and is expected to create a premature termination codon and result in an absent or disrupted protein product. Loss-of-function variants in CEP290 are known to be pathogenic (PMID: 16909394, 17345604, 20690115). This variant has not been reported in the literature in individuals affected with CEP290-related conditions. For these reasons, this variant has been classified as Pathogenic.

Literature cited by the submitters: PubMed 16909394; PubMed 17345604; PubMed 20690115.

NC_000012.11:g.(?_88465051)_(88465723_?)del

Gene: CEP290 (centrosomal protein 290; minus strand). Cytogenetic location: 12q21.32.
Variant type: Deletion.
Identifiers: ClinVar variation 2426913 (VCV002426913.6).